The following is an entry in ClinVar:

NM_130839.5(UBE3A):c.2049dup (p.Leu684fs)

Genes: SNHG14 (small nucleolar RNA host gene 14; plus strand), UBE3A (ubiquitin protein ligase E3A; minus strand). Cytogenetic location: 15q11.2.
Variant type: Duplication.
Coding change: c.2049dup on transcript NM_130839.5 (MANE Select); coding-DNA position 2049, one base duplicated (T; older notation c.2049dupT).
Protein change: p.Leu684fs; shifts the reading frame from leucine 684.
Molecular consequence: frameshift variant. On other transcripts: non-coding transcript variant (1), intron variant (1).
Genome position (GRCh38, 1-based): chr15:25,355,967, A duplicated on the plus strand (T on the coding strand, the reverse complement: UBE3A is on the minus strand). VCF-style (leftmost placement, unchanged base first): chr15-25355966-G-GA. GRCh37 (hg19) VCF-style: chr15-25601113-G-GA.
Other names: c.1989dup, p.Leu664fs (NM_001354512.2, NM_001354513.2, NM_001354523.2 and 16 more transcripts); c.2049dup, p.Leu684fs (NM_001354538.2, NM_001354545.2, NM_001354505.1); c.1872dup, p.Leu625fs (NM_001354546.2); c.798dup, p.Leu267fs (NM_001354550.2); c.738dup, p.Leu247fs (NM_001354551.2); c.2058dup, p.Leu687fs (NM_000462.5); c.1899+724dup (NM_001354549.2); short protein forms L247fs, L267fs, L625fs, L664fs, L684fs, L687fs.
Identifiers: ClinVar variation 2499946 (VCV002499946.1), dbSNP rs2552187052, ClinGen allele CA2580089186.

ClinVar aggregate classification (germline): Pathogenic (1 of 4 stars; one submission).

Submission:

GeneDx
Classification: Pathogenic. Last evaluated: 2023-04-07. Review status: criteria provided, single submitter. Criteria: GeneDx Variant Classification Process June 2021. Collection method: clinical testing. Allele origin: germline. Affected: yes.
Comment: Frameshift variant predicted to result in protein truncation or nonsense mediated decay in a gene for which loss of function is a known mechanism of disease; Not observed at significant frequency in large population cohorts (gnomAD); Has not been previously published as pathogenic or benign to our knowledge